The following is an entry in ClinVar:

ClinVar aggregate classification (germline): Uncertain significance (1 of 4 stars; one submission).

gnomAD v4.1: 3 of 1,613,898 alleles (0.00019%); highest among the groups gnomAD compares: South Asian, 0.0033%; no homozygotes.

Submission:

Labcorp Genetics (formerly Invitae), Labcorp
Classification: Uncertain significance. Last evaluated: 2022-02-28. Review status: criteria provided, single submitter. Criteria: Invitae Variant Classification Sherloc (09022015). Collection method: clinical testing. Allele origin: germline.
Comment: Algorithms developed to predict the effect of missense changes on protein structure and function are either unavailable or do not agree on the potential impact of this missense change (SIFT: "Deleterious"; PolyPhen-2: "Probably Damaging"; Align-GVGD: "Class C0"). This sequence change replaces alanine, which is neutral and non-polar, with threonine, which is neutral and polar, at codon 988 of the MSH3 protein (p.Ala988Thr). This variant is not present in population databases (gnomAD no frequency). This variant has not been reported in the literature in individuals affected with MSH3-related conditions. In summary, the available evidence is currently insufficient to determine the role of this variant in disease. Therefore, it has been classified as a Variant of Uncertain Significance.

NM_002439.5(MSH3):c.2962G>A (p.Ala988Thr)

Gene: MSH3 (mutS homolog 3; plus strand). Cytogenetic location: 5q14.1.
Variant type: single nucleotide variant.
Coding change: c.2962G>A on transcript NM_002439.5 (MANE Select); coding-DNA position 2962, G replaced by A.
Protein change: p.Ala988Thr; replaces alanine 988 with threonine.
Molecular consequence: missense variant.
Genome position (GRCh38, 1-based): chr5:80,854,278, G>A. VCF-style: chr5-80854278-G-A. GRCh37 (hg19) VCF-style: chr5-80150097-G-A.
Other names: short protein forms A988T.
Identifiers: ClinVar variation 2166094 (VCV002166094.4), dbSNP rs1580091606, ClinGen allele CA360275782.